The following is an entry in ClinVar:

NM_001270508.2(TNFAIP3):c.1844T>C (p.Phe615Ser)

Gene: TNFAIP3 (TNF alpha induced protein 3; plus strand). Cytogenetic location: 6q23.3.
Variant type: single nucleotide variant.
Coding change: c.1844T>C on transcript NM_001270508.2 (MANE Select); coding-DNA position 1844, T replaced by C.
Protein change: p.Phe615Ser; replaces phenylalanine 615 with serine.
Molecular consequence: missense variant.
Genome position (GRCh38, 1-based): chr6:137,879,289, T>C. VCF-style: chr6-137879289-T-C. GRCh37 (hg19) VCF-style: chr6-138200426-T-C.
Other names: c.1844T>C, p.Phe615Ser (NM_001270507.2, NM_006290.4); short protein forms F615S.
Identifiers: ClinVar variation 1354256 (VCV001354256.8), dbSNP rs1171389977, ClinGen allele CA365793784.
Genomic context (GRCh38, chr6:137,879,289, plus strand): 5'-CACGGACTCCTGGGGACAGGACGGGGACGAGCAAGTGCAGAAAAGCCGGCTGCGTGTATT[T>C]TGGGACTCCAGAAAACAAGGGCTTTTGCACACTGTGTTTCATCGAGTACAGAGAAAACAA-3'
Protein context (NP_001257437.1, residues 605-625): SKCRKAGCVY[Phe615Ser]GTPENKGFCT

ClinVar aggregate classification (germline): Uncertain significance (1 of 4 stars; one submission).

Allele frequency attached by ClinVar (database versions not stated): gnomAD 0.00001.
gnomAD v4.1: 1 of 1,614,100 alleles (0.000062%); highest among the groups gnomAD compares: African/African-American, 0.0013%; no homozygotes.

Submission:

Labcorp Genetics (formerly Invitae), Labcorp
Classification: Uncertain significance. Last evaluated: 2021-05-17. Review status: criteria provided, single submitter. Criteria: Invitae Variant Classification Sherloc (09022015). Collection method: clinical testing. Allele origin: germline.
Comment: In summary, the available evidence is currently insufficient to determine the role of this variant in disease. Therefore, it has been classified as a Variant of Uncertain Significance. Algorithms developed to predict the effect of missense changes on protein structure and function (SIFT, PolyPhen-2, Align-GVGD) all suggest that this variant is likely to be disruptive, but these predictions have not been confirmed by published functional studies and their clinical significance is uncertain. This variant has not been reported in the literature in individuals with TNFAIP3-related conditions. This variant is not present in population databases (ExAC no frequency). This sequence change replaces phenylalanine with serine at codon 615 of the TNFAIP3 protein (p.Phe615Ser). The phenylalanine residue is highly conserved and there is a large physicochemical difference between phenylalanine and serine.